The following is an entry in ClinVar:

NM_005502.4(ABCA1):c.101_104del (p.Phe34fs)

Gene: ABCA1 (ATP binding cassette subfamily A member 1; minus strand). Cytogenetic location: 9q31.1.
Variant type: Deletion.
Coding change: c.101_104del on transcript NM_005502.4 (MANE Select); coding-DNA positions 101 to 104, 4 bases deleted (TTAT; older notation c.101_104delTTAT).
Protein change: p.Phe34fs; shifts the reading frame from phenylalanine 34.
Molecular consequence: frameshift variant.
Genome position (GRCh38, 1-based): chr9:104,889,158-104,889,161, ATAA deleted on the plus strand (TTAT on the coding strand, the reverse complement: ABCA1 is on the minus strand); deleting any 4 consecutive bases within chr9:104,889,158-104,889,164 gives the same sequence; the c. name uses the placement nearest the transcript's 3' end. VCF-style (leftmost placement, unchanged base first): chr9-104889157-GATAA-G. GRCh37 (hg19) VCF-style: chr9-107651438-GATAA-G.
Other names: short protein forms F34fs.
Identifiers: ClinVar variation 1457817 (VCV001457817.6), dbSNP rs769323757, ClinGen allele CA589851950.

ClinVar aggregate classification (germline): Pathogenic (1 of 4 stars; one submission).

Submission:

Labcorp Genetics (formerly Invitae), Labcorp
Classification: Pathogenic. Last evaluated: 2021-11-05. Review status: criteria provided, single submitter. Criteria: Invitae Variant Classification Sherloc (09022015). Collection method: clinical testing. Allele origin: germline.
Comment: This variant has not been reported in the literature in individuals affected with ABCA1-related conditions. This sequence change creates a premature translational stop signal (p.Phe34Serfs*3) in the ABCA1 gene. It is expected to result in an absent or disrupted protein product. Loss-of-function variants in ABCA1 are known to be pathogenic (PMID: 10525055, 10760292, 20880529). This variant is present in population databases (no rsID available, gnomAD 0.003%). For these reasons, this variant has been classified as Pathogenic.

Literature cited by the submitters: PubMed 10525055; PubMed 10760292; PubMed 20880529.